The following is an entry in ClinVar:

ClinVar aggregate classification (germline): Uncertain significance (1 of 4 stars; one submission).

Conditions:
Brody myopathy. Also called: BRODY DISEASE. Identifiers: Orphanet 53347, MedGen C1832918, MONDO:0010977, OMIM 601003.

Allele frequency attached by ClinVar (database versions not stated): ExAC 0.00001; gnomAD 0.00001; gnomAD exomes 0.00001 and 0.00003; TOPMed 0.00003; ESP Exome Variant Server 0.00008.
gnomAD v4.1: 41 of 1,614,032 alleles (0.0025%); highest among the groups gnomAD compares: Non-Finnish European, 0.0033%; no homozygotes.

Submission:

Labcorp Genetics (formerly Invitae), Labcorp
Classification: Uncertain significance for Brody myopathy. Last evaluated: 2023-05-22. Review status: criteria provided, single submitter. Criteria: Invitae Variant Classification Sherloc (09022015). Collection method: clinical testing. Allele origin: germline.
Comment: This sequence change replaces arginine, which is basic and polar, with tryptophan, which is neutral and slightly polar, at codon 637 of the ATP2A1 protein (p.Arg637Trp). This variant is present in population databases (rs367563402, gnomAD 0.003%). This variant has not been reported in the literature in individuals affected with ATP2A1-related conditions. ClinVar contains an entry for this variant (Variation ID: 640328). An algorithm developed to predict the effect of missense changes on protein structure and function (PolyPhen-2) suggests that this variant is likely to be disruptive. In summary, the available evidence is currently insufficient to determine the role of this variant in disease. Therefore, it has been classified as a Variant of Uncertain Significance.

NM_004320.6(ATP2A1):c.1909C>T (p.Arg637Trp)

Gene: ATP2A1 (ATPase sarcoplasmic/endoplasmic reticulum Ca2+ transporting 1; plus strand). Cytogenetic location: 16p11.2.
Variant type: single nucleotide variant.
Coding change: c.1909C>T on transcript NM_004320.6 (MANE Select); coding-DNA position 1909, C replaced by T.
Protein change: p.Arg637Trp; replaces arginine 637 with tryptophan.
Molecular consequence: missense variant.
Genome position (GRCh38, 1-based): chr16:28,900,725, C>T. VCF-style: chr16-28900725-C-T. GRCh37 (hg19) VCF-style: chr16-28912046-C-T.
Other names: c.1534C>T, p.Arg512Trp (NM_001286075.2); c.1909C>T, p.Arg637Trp (NM_173201.5); short protein forms R637W, R512W.
Identifiers: ClinVar variation 640328 (VCV000640328.7), dbSNP rs367563402, ClinGen allele CA7987111.